The following is an entry in ClinVar:

NM_001385012.1(NBEA):c.5590_5595del (p.Asn1864_Leu1865del)

Gene: NBEA (neurobeachin; plus strand). Cytogenetic location: 13q13.3.
Variant type: Deletion.
Coding change: c.5590_5595del on transcript NM_001385012.1 (MANE Select); coding-DNA positions 5590 to 5595, 6 bases deleted (AACCTT; older notation c.5590_5595delAACCTT).
Protein change: p.Asn1864_Leu1865del.
Molecular consequence: inframe deletion.
Genome position (GRCh38, 1-based): chr13:35,211,121-35,211,126, AACCTT deleted. VCF-style (leftmost placement, unchanged base first): chr13-35211120-AAACCTT-A. GRCh37 (hg19) VCF-style: chr13-35785257-AAACCTT-A.
Other names: c.5581_5586del, p.Asn1861_Leu1862del (NM_001379245.1); c.5590_5595del, p.Asn1864_Leu1865del (NM_015678.5).
Identifiers: ClinVar variation 2662847 (VCV002662847.1), dbSNP rs2504340897, ClinGen allele CA2695199730.

ClinVar aggregate classification (germline): Uncertain significance (1 of 4 stars; one submission).

Submission:

GeneDx
Classification: Uncertain significance. Last evaluated: 2023-04-18. Review status: criteria provided, single submitter. Criteria: GeneDx Variant Classification Process June 2021. Collection method: clinical testing. Allele origin: germline. Affected: yes.
Comment: Not observed at significant frequency in large population cohorts (gnomAD); In-frame deletion of 2 amino acids in a non-repeat region; In silico analysis supports that this variant does not alter protein structure/function; Has not been previously published as pathogenic or benign to our knowledge